The following is an entry in ClinVar:

ClinVar aggregate classification (germline): Uncertain significance (1 of 4 stars; one submission).

Submission:

Labcorp Genetics (formerly Invitae), Labcorp
Classification: Uncertain significance. Last evaluated: 2025-10-05. Review status: criteria provided, single submitter. Criteria: Invitae Variant Classification Sherloc (09022015). Collection method: clinical testing. Allele origin: germline.
Comment: This sequence change replaces proline, which is neutral and non-polar, with alanine, which is neutral and non-polar, at codon 548 of the COL2A1 protein (p.Pro548Ala). This variant is not present in population databases (gnomAD no frequency). This variant has not been reported in the literature in individuals affected with COL2A1-related conditions. Invitae Evidence Modeling of protein sequence and biophysical properties (such as structural, functional, and spatial information, amino acid conservation, physicochemical variation, residue mobility, and thermodynamic stability) indicates that this missense variant is not expected to disrupt COL2A1 protein function with a negative predictive value of 95%. In summary, the available evidence is currently insufficient to determine the role of this variant in disease. Therefore, it has been classified as a Variant of Uncertain Significance.

NM_001844.5(COL2A1):c.1642C>G (p.Pro548Ala)

Gene: COL2A1 (collagen type II alpha 1 chain; minus strand). Cytogenetic location: 12q13.11.
Variant type: single nucleotide variant.
Coding change: c.1642C>G on transcript NM_001844.5 (MANE Select); coding-DNA position 1642, C replaced by G.
Protein change: p.Pro548Ala; replaces proline 548 with alanine.
Molecular consequence: missense variant.
Genome position (GRCh38, 1-based): chr12:47,985,766, G>C on the plus strand (C>G on the coding strand, the complement: COL2A1 is on the minus strand). VCF-style: chr12-47985766-G-C. GRCh37 (hg19) VCF-style: chr12-48379549-G-C.
Other names: c.1435C>G, p.Pro479Ala (NM_033150.3); short protein forms P548A, P479A.
Identifiers: ClinVar variation 4747067 (VCV004747067.1).